The following is an entry in ClinVar:

ClinVar aggregate classification (germline): Uncertain significance. Review status: criteria provided, multiple submitters, no conflicts (2 of 4 stars). 2 submissions from 2 submitters: Uncertain significance (2). Last evaluated 2025-11-05.

Submissions (2):

Mayo Clinic Laboratories, Mayo Clinic
Classification: Uncertain significance. Last evaluated: 2025-11-05. Review status: criteria provided, single submitter. Criteria: ACMG Guidelines, 2015. Collection method: clinical testing. Allele origin: germline. Observed: 1 variant allele.
Comment: BP4_moderate

Ambry Genetics
Classification: Uncertain significance. Last evaluated: 2025-08-13. Review status: criteria provided, single submitter. Criteria: Ambry Variant Classification Scheme 2023. Collection method: clinical testing. Allele origin: germline.

NM_080546.5(SLC44A1):c.377G>A (p.Ser126Asn)

Gene: SLC44A1 (solute carrier family 44 member 1; plus strand). Cytogenetic location: 9q31.1.
Variant type: single nucleotide variant.
Coding change: c.377G>A on transcript NM_080546.5 (MANE Select); coding-DNA position 377, G replaced by A.
Protein change: p.Ser126Asn; replaces serine 126 with asparagine.
Molecular consequence: missense variant.
Genome position (GRCh38, 1-based): chr9:105,335,670, G>A. VCF-style: chr9-105335670-G-A. GRCh37 (hg19) VCF-style: chr9-108097951-G-A.
Other names: p.Ser126Asn; c.377G>A, p.Ser126Asn (NM_001286730.2, NM_001330731.2); short protein forms S126N.
Identifiers: ClinVar variation 4168344 (VCV004168344.2).